The following is an entry in ClinVar:

NM_001429.4(EP300):c.5276A>C (p.Gln1759Pro)

Gene: EP300 (EP300 lysine acetyltransferase; plus strand). Cytogenetic location: 22q13.2.
Variant type: single nucleotide variant.
Coding change: c.5276A>C on transcript NM_001429.4 (MANE Select); coding-DNA position 5276, A replaced by C.
Protein change: p.Gln1759Pro; replaces glutamine 1759 with proline.
Molecular consequence: missense variant.
Genome position (GRCh38, 1-based): chr22:41,176,987, A>C. VCF-style: chr22-41176987-A-C. GRCh37 (hg19) VCF-style: chr22-41572991-A-C.
Other names: c.5198A>C, p.Gln1733Pro (NM_001362843.2); short protein forms Q1733P, Q1759P.
Identifiers: ClinVar variation 4994182 (VCV004994182.1).
Genomic context (GRCh38, chr22:41,176,987, plus strand): 5'-TCCAGTCTCTGGTCCATGCTTGCCAGTGTCGGAATGCCAATTGCTCACTGCCATCCTGCC[A>C]GAAGATGAAGCGGGTTGTGCAGCATACCAAGGGTTGCAAACGGAAAACCAATGGCGGGTG-3'
Protein context (NP_001420.2, residues 1749-1769): RNANCSLPSC[Gln1759Pro]KMKRVVQHTK

ClinVar aggregate classification (germline): Uncertain significance (1 of 4 stars; one submission).

Conditions:
EP300-related disorder. Also called: EP300-related condition; EP300-related disorders.

Submission:

PreventionGenetics, part of Exact Sciences
Classification: Uncertain significance for EP300-related condition. Last evaluated: 2026-03-30. Review status: criteria provided, single submitter. Criteria: ACMG Guidelines, 2015. Collection method: clinical testing. Allele origin: germline.
Comment: The EP300 c.5276A>C variant is predicted to result in the amino acid substitution p.Gln1759Pro. To our knowledge, this variant has not been reported in the literature or in a large population database (gnomAD), indicating this variant is rare. At this time, the clinical significance of this variant is uncertain due to the absence of conclusive functional and genetic evidence.